The following is an entry in ClinVar:

NM_032638.5(GATA2):c.1187G>T (p.Arg396Leu)

Gene: GATA2 (GATA binding protein 2; minus strand). Cytogenetic location: 3q21.3.
Variant type: single nucleotide variant.
Coding change: c.1187G>T on transcript NM_032638.5 (MANE Select); coding-DNA position 1187, G replaced by T.
Protein change: p.Arg396Leu; replaces arginine 396 with leucine.
Molecular consequence: missense variant.
Genome position (GRCh38, 1-based): chr3:128,481,275, C>A on the plus strand (G>T on the coding strand, the complement: GATA2 is on the minus strand). VCF-style: chr3-128481275-C-A. GRCh37 (hg19) VCF-style: chr3-128200118-C-A.
Other names: c.1187G>T, p.Arg396Leu (NM_001145661.2); c.1145G>T, p.Arg382Leu (NM_001145662.1); c.1187G>T (NM_032638.4); short protein forms R382L, R396L.
Identifiers: ClinVar variation 1184013 (VCV001184013.2), dbSNP rs1553770434, ClinGen allele CA354413235.

ClinVar aggregate classification (germline): Likely pathogenic. Review status: criteria provided, multiple submitters, no conflicts (2 of 4 stars). 2 submissions from 2 submitters: Likely pathogenic (2). Last evaluated 2022-10-28.

Conditions:
Deafness-lymphedema-leukemia syndrome. Also called: Emberger syndrome; Lymphedema, primary, with myelodysplasia. Identifiers: Orphanet 3226, MedGen C3279664, MONDO:0013540, OMIM 614038.
GATA2 deficiency with susceptibility to MDS/AML. Identifiers: MedGen CN300066, MONDO:0042982.

Submissions (2):

GeneDx
Classification: Likely pathogenic. Last evaluated: 2022-10-28. Review status: criteria provided, single submitter. Criteria: GeneDx Variant Classification Process June 2021. Collection method: clinical testing. Allele origin: germline. Affected: yes.
Comment: Not observed at significant frequency in large population cohorts (gnomAD); In silico analysis supports that this missense variant has a deleterious effect on protein structure/function; Published functional studies demonstrate impaired transactivation activity (Sologuren et al., 2018); This variant is associated with the following publications: (PMID: 33417088, 33038986, 34387894, 29882021)

Molecular Pathology Research Laboratory, SA Pathology
Classification: Likely pathogenic for GATA2 deficiency with susceptibility to MDS/AML; Deafness-lymphedema-leukemia syndrome. Last evaluated: 2021-07-06. Review status: criteria provided, single submitter. Criteria: ACMG Guidelines, 2015. Collection method: curation. Allele origin: germline. Inheritance: Autosomal dominant inheritance. Affected: yes. Observed: 3 variant alleles. Clinical features observed: Myelodysplasia, Acute Myeloid Leukemia, Hematological abnormality, Immunodeficiency.
Comment: PS3_Supporting, PS4_Moderate, PM1, PM2, PM5, PP1_Supporting, PP3

Literature cited by the submitters: PubMed 29882021 (cited by Molecular Pathology Research Laboratory, SA Pathology).